The following is an entry in ClinVar:

NM_001318852.2(MAPK8IP3):c.747+7T>C

Gene: MAPK8IP3 (mitogen-activated protein kinase 8 interacting protein 3; plus strand). Cytogenetic location: 16p13.3.
Variant type: single nucleotide variant.
Coding change: c.747+7T>C on transcript NM_001318852.2 (MANE Select); 7 bases into the intron after coding-DNA position 747, T replaced by C.
Molecular consequence: intron variant.
Genome position (GRCh38, 1-based): chr16:1,743,483, T>C. VCF-style: chr16-1743483-T-C. GRCh37 (hg19) VCF-style: chr16-1793484-T-C.
Other names: c.744+7T>C (NM_015133.5, NM_001040439.2).
Identifiers: ClinVar variation 4821404 (VCV004821404.4).
Genomic context (GRCh38, chr16:1,743,483, plus strand): 5'-GACCACTGGCACCTGAGTGACCTCGGCCAGCTGCAGTCCAGCTCCAGCTACCAGGTTTTG[T>C]AGCCGTGCCGTGGAGTGAGAGGCTCCTCCCTGTTGCTGGTGTTCCCCGTTCACTGGGGCG-3'

ClinVar aggregate classification (germline): Likely benign (1 of 4 stars; one submission).

gnomAD v4.1: 173 of 1,608,188 alleles (0.011%); highest among the groups gnomAD compares: Non-Finnish European, 0.014%; no homozygotes.

Submission:

CeGaT Center for Human Genetics Tuebingen
Classification: Likely benign. Last evaluated: 2026-01-01. Review status: criteria provided, single submitter. Criteria: CeGaT Center For Human Genetics Tuebingen Variant Classification Criteria Version 2. Collection method: clinical testing. Allele origin: germline. Affected: yes. Observed: 1 variant allele.
Comment: MAPK8IP3: BP4